The following is an entry in ClinVar:

NM_001453.3(FOXC1):c.544G>A (p.Asp182Asn)

Gene: FOXC1 (forkhead box C1; plus strand). Cytogenetic location: 6p25.3.
Variant type: single nucleotide variant.
Coding change: c.544G>A on transcript NM_001453.3 (MANE Select); coding-DNA position 544, G replaced by A.
Protein change: p.Asp182Asn; replaces aspartic acid 182 with asparagine.
Molecular consequence: missense variant.
Genome position (GRCh38, 1-based): chr6:1,610,989, G>A. VCF-style: chr6-1610989-G-A. GRCh37 (hg19) VCF-style: chr6-1611224-G-A.
Other names: short protein forms D182N.
Identifiers: ClinVar variation 1219836 (VCV001219836.10), dbSNP rs142371761, ClinGen allele CA3614773.

ClinVar aggregate classification (germline): Conflicting classifications of pathogenicity. Review status: criteria provided, conflicting classifications (1 of 4 stars). 4 submissions from 4 submitters: Uncertain significance (2); Likely benign (2). Last evaluated 2025-11-21.

Conditions:
Inborn genetic diseases. Identifiers: MedGen C0950123, MeSH D030342.
Axenfeld-Rieger syndrome type 3 (RIEG3). Also called: AXENFELD-RIEGER ANOMALY WITH CARDIAC DEFECTS AND/OR SENSORINEURAL HEARING LOSS. Identifiers: Orphanet 782, MedGen C2678503, MONDO:0011233, OMIM 602482.

Allele frequency attached by ClinVar (database versions not stated): 1000 Genomes Project 0.00020; TOPMed 0.00028; 1000 Genomes Project 30x 0.00031; gnomAD 0.00038 and 0.00039; ESP Exome Variant Server 0.00054.

Submissions (4):

Labcorp Genetics (formerly Invitae), Labcorp
Classification: Likely benign for Axenfeld-Rieger syndrome type 3. Last evaluated: 2025-11-21. Review status: criteria provided, single submitter. Criteria: Invitae Variant Classification Sherloc (09022015). Collection method: clinical testing. Allele origin: germline.

Blueprint Genetics
Classification: Likely benign. Last evaluated: 2021-06-23. Review status: criteria provided, single submitter. Criteria: ACMG Guidelines, 2015. Collection method: clinical testing. Allele origin: germline.

Ambry Genetics
Classification: Uncertain significance for Inborn genetic diseases. Last evaluated: 2021-06-18. Review status: criteria provided, single submitter. Criteria: Ambry Variant Classification Scheme 2023. Collection method: clinical testing. Allele origin: germline.

GeneDx
Classification: Uncertain significance. Last evaluated: 2021-01-15. Review status: criteria provided, single submitter. Criteria: GeneDx Variant Classification Process June 2021. Collection method: clinical testing. Allele origin: germline. Affected: yes.
Comment: In silico analysis supports that this missense variant has a deleterious effect on protein structure/function; Has not been previously published as pathogenic or benign to our knowledge